The following is an entry in ClinVar:

ClinVar aggregate classification (germline): Uncertain significance (1 of 4 stars; one submission).

Conditions:
Hereditary cancer-predisposing syndrome. Also called: Neoplastic Syndromes, Hereditary; Tumor predisposition; Hereditary neoplastic syndrome; Hereditary Cancer Syndrome. Identifiers: Orphanet 140162, MedGen C0027672, MeSH D009386, MONDO:0015356.

Submission:

Ambry Genetics
Classification: Uncertain significance for Hereditary cancer-predisposing syndrome. Last evaluated: 2026-07-07. Review status: criteria provided, single submitter. Criteria: Ambry Variant Classification Scheme 2023. Collection method: clinical testing. Allele origin: germline.
Comment: The p.L811P variant (also known as c.2432T>C), located in coding exon 16 of the BRIP1 gene, results from a T to C substitution at nucleotide position 2432. The leucine at codon 811 is replaced by proline, an amino acid with similar properties. This amino acid position is conserved. In addition, this alteration is predicted to be deleterious by in silico analysis. Based on the available evidence, the clinical significance of this variant remains unclear.

NM_032043.3(BRIP1):c.2432T>C (p.Leu811Pro)

Gene: BRIP1 (BRCA1 interacting DNA helicase 1; minus strand). Cytogenetic location: 17q23.2.
Variant type: single nucleotide variant.
Coding change: c.2432T>C on transcript NM_032043.3 (MANE Select); coding-DNA position 2432, T replaced by C.
Protein change: p.Leu811Pro; replaces leucine 811 with proline.
Molecular consequence: missense variant.
Genome position (GRCh38, 1-based): chr17:61,716,011, A>G on the plus strand (T>C on the coding strand, the complement: BRIP1 is on the minus strand). VCF-style: chr17-61716011-A-G. GRCh37 (hg19) VCF-style: chr17-59793372-A-G.
Other names: short protein forms L811P.
Identifiers: ClinVar variation 5033421 (VCV005033421.1).